The following is an entry in ClinVar:

ClinVar aggregate classification (germline): Likely pathogenic (1 of 4 stars; one submission).

Conditions:
Long QT syndrome (LQTS). Identifiers: MedGen C0023976, MeSH D008133, MONDO:0002442. Disease mechanism: loss of function. Inheritance: Various modes of inheritance.

Submission:

Labcorp Genetics (formerly Invitae), Labcorp
Classification: Likely pathogenic for Long QT syndrome. Last evaluated: 2025-06-29. Review status: criteria provided, single submitter. Criteria: Invitae Variant Classification Sherloc (09022015). Collection method: clinical testing. Allele origin: germline.
Comment: This sequence change replaces tyrosine, which is neutral and polar, with asparagine, which is neutral and polar, at codon 315 of the KCNQ1 protein (p.Tyr315Asn). This variant is not present in population databases (gnomAD no frequency). This missense change has been observed in individual(s) with clinical features of long QT syndrome (PMID: 23158531, 34505893). ClinVar contains an entry for this variant (Variation ID: 1439097). Invitae Evidence Modeling of protein sequence and biophysical properties (such as structural, functional, and spatial information, amino acid conservation, physicochemical variation, residue mobility, and thermodynamic stability) indicates that this missense variant is expected to disrupt KCNQ1 protein function with a positive predictive value of 95%. This variant disrupts the p.Tyr315 amino acid residue in KCNQ1. Other variant(s) that disrupt this residue have been determined to be pathogenic (PMID: 11087258, 12702160, 18774102, 21451124, 24217263). This suggests that this residue is clinically significant, and that variants that disrupt this residue are likely to be disease-causing. In summary, the currently available evidence indicates that the variant is pathogenic, but additional data are needed to prove that conclusively. Therefore, this variant has been classified as Likely Pathogenic.

Literature cited by the submitters: PubMed 23158531; PubMed 34505893; PubMed 11087258; PubMed 12702160; PubMed 18774102; PubMed 21451124; PubMed 24217263.

NM_000218.3(KCNQ1):c.943T>A (p.Tyr315Asn)

Gene: KCNQ1 (potassium voltage-gated channel subfamily Q member 1; plus strand). Cytogenetic location: 11p15.5.
Variant type: single nucleotide variant.
Coding change: c.943T>A on transcript NM_000218.3 (MANE Select); coding-DNA position 943, T replaced by A.
Protein change: p.Tyr315Asn; replaces tyrosine 315 with asparagine.
Molecular consequence: missense variant.
Genome position (GRCh38, 1-based): chr11:2,583,456, T>A. VCF-style: chr11-2583456-T-A. GRCh37 (hg19) VCF-style: chr11-2604686-T-A.
Other names: c.943T>A, p.Tyr315Asn (NM_001406836.1); c.673T>A, p.Tyr225Asn (NM_001406837.1); c.499T>A, p.Tyr167Asn (NM_001406838.1); c.562T>A, p.Tyr188Asn (NM_181798.2); short protein forms Y188N, Y315N, Y167N, Y225N.
Identifiers: ClinVar variation 1439097 (VCV001439097.9), dbSNP rs1554894448, ClinGen allele CA379132980.